The following is an entry in ClinVar:

ClinVar aggregate classification (germline): Likely pathogenic (1 of 4 stars; one submission).

Submission:

Labcorp Genetics (formerly Invitae), Labcorp
Classification: Likely pathogenic. Last evaluated: 2023-11-01. Review status: criteria provided, single submitter. Criteria: Invitae Variant Classification Sherloc (09022015). Collection method: clinical testing. Allele origin: germline.
Comment: This sequence change affects a donor splice site in intron 16 of the CEP152 gene. It is expected to disrupt RNA splicing. Variants that disrupt the donor or acceptor splice site typically lead to a loss of protein function (PMID: 16199547), and loss-of-function variants in CEP152 are known to be pathogenic (PMID: 21131973). This variant is not present in population databases (gnomAD no frequency). This variant has not been reported in the literature in individuals affected with CEP152-related conditions. Algorithms developed to predict the effect of sequence changes on RNA splicing suggest that this variant may disrupt the consensus splice site. In summary, the currently available evidence indicates that the variant is pathogenic, but additional data are needed to prove that conclusively. Therefore, this variant has been classified as Likely Pathogenic.

Literature cited by the submitters: PubMed 16199547; PubMed 21131973.

NM_001194998.2(CEP152):c.2147+1G>A

Gene: CEP152 (centrosomal protein 152; minus strand). Cytogenetic location: 15q21.1.
Variant type: single nucleotide variant.
Coding change: c.2147+1G>A on transcript NM_001194998.2 (MANE Select); the canonical splice donor site of the intron after coding-DNA position 2147, G replaced by A.
Molecular consequence: splice donor variant.
Genome position (GRCh38, 1-based): chr15:48,767,334, C>T on the plus strand (G>A on the coding strand, the complement: CEP152 is on the minus strand). VCF-style: chr15-48767334-C-T. GRCh37 (hg19) VCF-style: chr15-49059531-C-T.
Other names: c.2147+1G>A (NM_014985.4).
Identifiers: ClinVar variation 2906459 (VCV002906459.3), dbSNP rs2055237596, ClinGen allele CA392348500.